The following is an entry in ClinVar:

NM_001098511.3(KIF2A):c.413A>T (p.Asp138Val)

Gene: KIF2A (kinesin family member 2A; plus strand). Cytogenetic location: 5q12.1.
Variant type: single nucleotide variant.
Coding change: c.413A>T on transcript NM_001098511.3 (MANE Select); coding-DNA position 413, A replaced by T.
Protein change: p.Asp138Val; replaces aspartic acid 138 with valine.
Molecular consequence: missense variant. On other transcripts: intron variant (1).
Genome position (GRCh38, 1-based): chr5:62,352,666, A>T. VCF-style: chr5-62352666-A-T. GRCh37 (hg19) VCF-style: chr5-61648493-A-T.
Other names: c.413A>T, p.Asp138Val (NM_004520.5); c.400+13A>T (NM_001243953.2); c.332A>T, p.Asp111Val (NM_001243952.2); short protein forms D138V, D111V.
Identifiers: ClinVar variation 3728703 (VCV003728703.2).
Genomic context (GRCh38, chr5:62,352,666, plus strand): 5'-CACGGCCCAGTCAATTTCCTGAACAGTCTTCCTCTGCACAACAGAATGGTAGTGTTTCAG[A>T]TATATCTCCAGTTCAAGCTGCAAAAAAGGAATTTGGACCCCCTTGTATGTAAATTATGTA-3'
Protein context (NP_001091981.1, residues 128-148): SSAQQNGSVS[Asp138Val]ISPVQAAKKE

ClinVar aggregate classification (germline): Uncertain significance (1 of 4 stars; one submission).

Submission:

Labcorp Genetics (formerly Invitae), Labcorp
Classification: Uncertain significance. Last evaluated: 2025-01-08. Review status: criteria provided, single submitter. Criteria: Invitae Variant Classification Sherloc (09022015). Collection method: clinical testing. Allele origin: germline.
Comment: This sequence change replaces aspartic acid, which is acidic and polar, with valine, which is neutral and non-polar, at codon 138 of the KIF2A protein (p.Asp138Val). This variant is not present in population databases (gnomAD no frequency). This variant has not been reported in the literature in individuals affected with KIF2A-related conditions. An algorithm developed to predict the effect of missense changes on protein structure and function (PolyPhen-2) suggests that this variant is likely to be tolerated. In summary, the available evidence is currently insufficient to determine the role of this variant in disease. Therefore, it has been classified as a Variant of Uncertain Significance.